The following is an entry in ClinVar:

NM_000222.3(KIT):c.1046T>C (p.Ile349Thr)

Gene: KIT (KIT proto-oncogene, receptor tyrosine kinase; plus strand). Cytogenetic location: 4q12.
Variant type: single nucleotide variant.
Coding change: c.1046T>C on transcript NM_000222.3 (MANE Select); coding-DNA position 1046, T replaced by C.
Protein change: p.Ile349Thr; replaces isoleucine 349 with threonine.
Molecular consequence: missense variant.
Genome position (GRCh38, 1-based): chr4:54,707,218, T>C. VCF-style: chr4-54707218-T-C. GRCh37 (hg19) VCF-style: chr4-55573384-T-C.
Other names: c.1046T>C, p.Ile349Thr (NM_001093772.2, NM_001385285.1, NM_001385286.1); c.1049T>C, p.Ile350Thr (NM_001385284.1, NM_001385288.1, NM_001385290.1 and 1 more transcripts); short protein forms I349T, I350T.
Identifiers: ClinVar variation 2699385 (VCV002699385.4), dbSNP rs2475478928, ClinGen allele CA356901039.
Genomic context (GRCh38, chr4:54,707,218, plus strand): 5'-AAAATGTAGATTTGATTGTTGAATATGAAGCATTCCCCAAACCTGAACACCAGCAGTGGA[T>C]CTATATGAACAGAACCTTCACTGATAAATGGGAAGATTATCCCAAGTCTGAGAATGAAAG-3'
Protein context (NP_000213.1, residues 339-359): AFPKPEHQQW[Ile349Thr]YMNRTFTDKW

ClinVar aggregate classification (germline): Uncertain significance. Review status: criteria provided, multiple submitters, no conflicts (2 of 4 stars). 2 submissions from 2 submitters: Uncertain significance (2). Last evaluated 2024-10-23.

Conditions:
Hereditary cancer-predisposing syndrome. Also called: Neoplastic Syndromes, Hereditary; Hereditary neoplastic syndrome; Tumor predisposition; Hereditary Cancer Syndrome. Identifiers: Orphanet 140162, MedGen C0027672, MeSH D009386, MONDO:0015356.
Gastrointestinal stromal tumor. Also called: Gastrointestinal stromal tumor, somatic; Gastrointestinal stroma tumor. Identifiers: Orphanet 44890, MedGen C0238198, MeSH D046152, MONDO:0011719, OMIM 606764, HP:0100723.

Submissions (2):

Ambry Genetics
Classification: Uncertain significance for Hereditary cancer-predisposing syndrome. Last evaluated: 2024-10-23. Review status: criteria provided, single submitter. Criteria: Ambry Variant Classification Scheme 2023. Collection method: clinical testing. Allele origin: germline.
Comment: The p.I349T variant (also known as c.1046T>C), located in coding exon 6 of the KIT gene, results from a T to C substitution at nucleotide position 1046. The isoleucine at codon 349 is replaced by threonine, an amino acid with similar properties. This amino acid position is conserved. In addition, this alteration is predicted to be tolerated by in silico analysis. Based on the available evidence, the clinical significance of this variant remains unclear.

Labcorp Genetics (formerly Invitae), Labcorp
Classification: Uncertain significance for Gastrointestinal stromal tumor. Last evaluated: 2023-11-28. Review status: criteria provided, single submitter. Criteria: Invitae Variant Classification Sherloc (09022015). Collection method: clinical testing. Allele origin: germline.
Comment: This sequence change replaces isoleucine, which is neutral and non-polar, with threonine, which is neutral and polar, at codon 349 of the KIT protein (p.Ile349Thr). This variant is not present in population databases (gnomAD no frequency). This variant has not been reported in the literature in individuals affected with KIT-related conditions. Algorithms developed to predict the effect of missense changes on protein structure and function output the following: SIFT: "Not Available"; PolyPhen-2: "Benign"; Align-GVGD: "Not Available". The threonine amino acid residue is found in multiple mammalian species, which suggests that this missense change does not adversely affect protein function. In summary, the available evidence is currently insufficient to determine the role of this variant in disease. Therefore, it has been classified as a Variant of Uncertain Significance.